The following is an entry in ClinVar:

NM_000143.4(FH):c.1042G>A (p.Gly348Ser)

Gene: FH (fumarate hydratase; minus strand). Cytogenetic location: 1q43.
Variant type: single nucleotide variant.
Coding change: c.1042G>A on transcript NM_000143.4 (MANE Select); coding-DNA position 1042, G replaced by A.
Protein change: p.Gly348Ser; replaces glycine 348 with serine.
Molecular consequence: missense variant.
Genome position (GRCh38, 1-based): chr1:241,504,108, C>T on the plus strand (G>A on the coding strand, the complement: FH is on the minus strand). VCF-style: chr1-241504108-C-T. GRCh37 (hg19) VCF-style: chr1-241667408-C-T.
Other names: short protein forms G348S.
Identifiers: ClinVar variation 4257345 (VCV004257345.2).
Genomic context (GRCh38, chr1:241,504,108, plus strand): 5'-TGATACTGCTTCCTGGTTCATTTTCAGGCAAGATCAATTCTCCCAGACCTGACCGAGGAC[C>T]AGAACCCAAAAATCGAATATCATTTGCTATCTTCATCAGACTGCAGGCAGTAGTGTTCAT-3'
Protein context (NP_000134.2, residues 338-358): IANDIRFLGS[Gly348Ser]PRSGLGELIL

ClinVar aggregate classification (germline): Uncertain significance (1 of 4 stars; one submission).

Conditions:
Hereditary cancer-predisposing syndrome. Also called: Neoplastic Syndromes, Hereditary; Tumor predisposition; Hereditary neoplastic syndrome; Hereditary Cancer Syndrome. Identifiers: Orphanet 140162, MedGen C0027672, MeSH D009386, MONDO:0015356.

gnomAD v4.1: 1 of 1,614,228 alleles (0.000062%); highest among the groups gnomAD compares: South Asian, 0.0011%; no homozygotes.

Submissions (2):

Ambry Genetics
Classification: Uncertain significance for Hereditary cancer-predisposing syndrome. Last evaluated: 2026-04-23. Review status: criteria provided, single submitter. Criteria: Ambry Variant Classification Scheme 2023. Collection method: clinical testing. Allele origin: germline.
Comment: The p.G348S variant (also known as c.1042G>A), located in coding exon 7 of the FH gene, results from a G to A substitution at nucleotide position 1042. The glycine at codon 348 is replaced by serine, an amino acid with similar properties. This amino acid position is highly conserved in available vertebrate species. In addition, this alteration is predicted to be deleterious by in silico analysis. Based on the available evidence, the clinical significance of this variant remains unclear.

Blake Wilde Laboratory, Roswell Park Comprehensive Cancer Center
No classification provided (evidence only). Condition: Hereditary leiomyomatosis and renal cell cancer. Review status: no classification provided. Collection method: in vitro. Allele origin: not applicable. Functional consequence: decreased enzyme activity. Not counted in ClinVar's aggregate classification.